The following is an entry in ClinVar:

NM_001378454.1(ALMS1):c.753_754insA (p.Ala252fs)

Gene: ALMS1 (ALMS1 centrosome and basal body associated protein; plus strand). Cytogenetic location: 2p13.1.
Variant type: Insertion.
Coding change: c.753_754insA on transcript NM_001378454.1 (MANE Select); coding-DNA positions 753 to 754, A inserted.
Protein change: p.Ala252fs; shifts the reading frame from alanine 252.
Molecular consequence: frameshift variant.
Genome position: GRCh38 VCF-style: chr2-73422963-T-TA. GRCh37 (hg19) VCF-style: chr2-73650091-T-TA.
Other names: c.756_757insA, p.Ala253fs (NM_015120.4); short protein forms A253fs, A252fs.
Identifiers: ClinVar variation 554157 (VCV000554157.7), dbSNP rs748892226, ClinGen allele CA1712943.
Genomic context (GRCh38, chr2:73,422,963, plus strand): 5'-TTTGACACAAGACCAAGAATTTGCGCCTGATTCTTTATTTCATCAAAGTGAACTAAGTTT[T>TA]GCACCTCTGAGGTAGGATGATTTATTTGCATGTAACCTTTCTCACTTCTTGTTCTATGTT-3'

ClinVar aggregate classification (germline): Pathogenic. Review status: criteria provided, single submitter (1 of 4 stars). 2 submissions from 2 submitters: Pathogenic (1). 1 of the submissions does not count toward it. Last evaluated 2024-11-18.

Conditions:
Alstrom syndrome (ALMS). Identifiers: Orphanet 64, MedGen C0268425, MONDO:0008763, OMIM 203800.

Allele frequency attached by ClinVar (database versions not stated): ExAC 0.00001; gnomAD exomes 0.00001 and below 0.00001.

Submissions (2):

Labcorp Genetics (formerly Invitae), Labcorp
Classification: Pathogenic for Alstrom syndrome. Last evaluated: 2024-11-18. Review status: criteria provided, single submitter. Criteria: Invitae Variant Classification Sherloc (09022015). Collection method: clinical testing. Allele origin: germline.
Comment: This sequence change creates a premature translational stop signal (p.Ala253Serfs*8) in the ALMS1 gene. It is expected to result in an absent or disrupted protein product. Loss-of-function variants in ALMS1 are known to be pathogenic (PMID: 17594715). This variant is present in population databases (rs748892226, gnomAD 0.006%). This variant has not been reported in the literature in individuals affected with ALMS1-related conditions. ClinVar contains an entry for this variant (Variation ID: 554157). For these reasons, this variant has been classified as Pathogenic.

Counsyl
Classification: Likely pathogenic for Alstrom syndrome. Last evaluated: 2017-09-28. Review status: no assertion criteria provided. Collection method: clinical testing. Allele origin: unknown. Not counted in ClinVar's aggregate classification.

Literature cited by the submitters: PubMed 17594715 (cited by Labcorp Genetics (formerly Invitae), Labcorp).